The following is an entry in ClinVar:

NM_005901.6(SMAD2):c.64G>C (p.Ala22Pro)

Gene: SMAD2 (SMAD family member 2; minus strand). Cytogenetic location: 18q21.1.
Variant type: single nucleotide variant.
Coding change: c.64G>C on transcript NM_005901.6 (MANE Select); coding-DNA position 64, G replaced by C.
Protein change: p.Ala22Pro; replaces alanine 22 with proline.
Molecular consequence: missense variant.
Genome position (GRCh38, 1-based): chr18:47,896,693, C>G on the plus strand (G>C on the coding strand, the complement: SMAD2 is on the minus strand). VCF-style: chr18-47896693-C-G. GRCh37 (hg19) VCF-style: chr18-45423064-C-G.
Other names: c.64G>C, p.Ala22Pro (NM_001003652.4, NM_001135937.3); short protein forms A22P.
Identifiers: ClinVar variation 4998881 (VCV004998881.1).

ClinVar aggregate classification (germline): Uncertain significance (1 of 4 stars; one submission).

Conditions:
SMAD2-related disorder. Also called: SMAD2-related condition; SMAD2-related disorders.

Submission:

PreventionGenetics, part of Exact Sciences
Classification: Uncertain significance for SMAD2-related condition. Last evaluated: 2025-04-17. Review status: criteria provided, single submitter. Criteria: ACMG Guidelines, 2015. Collection method: clinical testing. Allele origin: germline.
Comment: The SMAD2 c.64G>C variant is predicted to result in the amino acid substitution p.Ala22Pro. To our knowledge, this variant has not been reported in the literature or in a large population database (gnomAD), indicating this variant is rare. At this time, the clinical significance of this variant is uncertain due to the absence of conclusive functional and genetic evidence.